The following is an entry in ClinVar:

ClinVar aggregate classification (germline): Uncertain significance (1 of 4 stars; one submission).

Conditions:
Hypertrophic cardiomyopathy. Also called: HYPERTROPHIC MYOCARDIOPATHY. Identifiers: Orphanet 217569, MedGen C0007194, MeSH D002312, MONDO:0005045, HP:0001639.

Submission:

Labcorp Genetics (formerly Invitae), Labcorp
Classification: Uncertain significance for Hypertrophic cardiomyopathy. Last evaluated: 2026-01-25. Review status: criteria provided, single submitter. Criteria: Invitae Variant Classification Sherloc (09022015). Collection method: clinical testing. Allele origin: germline.
Comment: This sequence change replaces glutamic acid, which is acidic and polar, with glycine, which is neutral and non-polar, at codon 1693 of the MYH7 protein (p.Glu1693Gly). This variant is not present in population databases (gnomAD no frequency). This variant has not been reported in the literature in individuals affected with MYH7-related conditions. Invitae Evidence Modeling of protein sequence and biophysical properties (such as structural, functional, and spatial information, amino acid conservation, physicochemical variation, residue mobility, and thermodynamic stability) indicates that this missense variant is expected to disrupt MYH7 protein function with a positive predictive value of 95%. In summary, the available evidence is currently insufficient to determine the role of this variant in disease. Therefore, it has been classified as a Variant of Uncertain Significance.

NM_000257.4(MYH7):c.5078A>G (p.Glu1693Gly)

Genes: MHRT (myosin heavy chain associated RNA transcript; plus strand), MYH7 (myosin heavy chain 7; minus strand), LOC126861897 (BRD4-independent group 4 enhancer GRCh37_chr14:23884455-23885654; plus strand). Cytogenetic location: 14q11.2.
Variant type: single nucleotide variant.
Coding change: c.5078A>G on transcript NM_000257.4 (MANE Select); coding-DNA position 5078, A replaced by G.
Protein change: p.Glu1693Gly; replaces glutamic acid 1693 with glycine.
Molecular consequence: missense variant. On other transcripts: non-coding transcript variant (1).
Genome position (GRCh38, 1-based): chr14:23,415,708, T>C on the plus strand (A>G on the coding strand, the complement: MYH7 is on the minus strand). VCF-style: chr14-23415708-T-C. GRCh37 (hg19) VCF-style: chr14-23884917-T-C.
Other names: c.5078A>G, p.Glu1693Gly (NM_001407004.1); short protein forms E1693G.
Identifiers: ClinVar variation 4702934 (VCV004702934.1).